The following is an entry in ClinVar:

ClinVar aggregate classification (germline): Uncertain significance (1 of 4 stars; one submission).

Conditions:
Landau-Kleffner syndrome (FESD). Also called: EPILEPSY, FOCAL, WITH SPEECH DISORDER AND WITH OR WITHOUT MENTAL RETARDATION; APHASIA, ACQUIRED, WITH EPILEPSY. Identifiers: Orphanet 1945, Orphanet 725, Orphanet 98818, MedGen C0282512, MONDO:0009509, OMIM 245570.

Submission:

Labcorp Genetics (formerly Invitae), Labcorp
Classification: Uncertain significance for Landau-Kleffner syndrome. Last evaluated: 2025-02-23. Review status: criteria provided, single submitter. Criteria: Invitae Variant Classification Sherloc (09022015). Collection method: clinical testing. Allele origin: germline.
Comment: This sequence change replaces proline, which is neutral and non-polar, with serine, which is neutral and polar, at codon 1074 of the GRIN2A protein (p.Pro1074Ser). This variant is not present in population databases (gnomAD no frequency). This variant has not been reported in the literature in individuals affected with GRIN2A-related conditions. ClinVar contains an entry for this variant (Variation ID: 946086). Invitae Evidence Modeling of protein sequence and biophysical properties (such as structural, functional, and spatial information, amino acid conservation, physicochemical variation, residue mobility, and thermodynamic stability) indicates that this missense variant is not expected to disrupt GRIN2A protein function with a negative predictive value of 95%. In summary, the available evidence is currently insufficient to determine the role of this variant in disease. Therefore, it has been classified as a Variant of Uncertain Significance.

NM_001134407.3(GRIN2A):c.3220C>T (p.Pro1074Ser)

Gene: GRIN2A (glutamate ionotropic receptor NMDA type subunit 2A; minus strand). Cytogenetic location: 16p13.2.
Variant type: single nucleotide variant.
Coding change: c.3220C>T on transcript NM_001134407.3 (MANE Select); coding-DNA position 3220, C replaced by T.
Protein change: p.Pro1074Ser; replaces proline 1074 with serine.
Molecular consequence: missense variant.
Genome position (GRCh38, 1-based): chr16:9,764,324, G>A on the plus strand (C>T on the coding strand, the complement: GRIN2A is on the minus strand). VCF-style: chr16-9764324-G-A. GRCh37 (hg19) VCF-style: chr16-9858181-G-A.
Other names: c.3220C>T, p.Pro1074Ser (NM_000833.5, NM_001134408.2); short protein forms P1074S.
Identifiers: ClinVar variation 946086 (VCV000946086.10), dbSNP rs1900768310, ClinGen allele CA394708350.
Genomic context (GRCh38, chr16:9,764,324, plus strand): 5'-ATTTGGAGGCCACTGACCTTTTAAAGTTGTCCTTGGTTTTGTGGTTCTTACTGTTGTCAG[G>A]TTCCCTGTGGCACGTGGCCCGATTTGACGTTTCTGAAATGTCAGAGTGGGCCATCTCTTC-3'
Protein context (NP_001127879.1, residues 1064-1084): TSNRATCHRE[Pro1074Ser]DNSKNHKTKD